The following is an entry in ClinVar:

NM_003865.3(HESX1):c.-6G>A

Gene: HESX1 (HESX homeobox 1; minus strand). Cytogenetic location: 3p14.3.
Variant type: single nucleotide variant.
Coding change: c.-6G>A on transcript NM_003865.3 (MANE Select); 6 bases upstream of the start codon, G replaced by A.
Molecular consequence: 5 prime UTR variant.
Genome position (GRCh38, 1-based): chr3:57,199,924, C>T on the plus strand (G>A on the coding strand, the complement: HESX1 is on the minus strand). VCF-style: chr3-57199924-C-T. GRCh37 (hg19) VCF-style: chr3-57233952-C-T.
Other names: c.-6G>A (NM_001376058.1, NM_001376059.1, NM_001376060.1 and 1 more transcripts).
Identifiers: ClinVar variation 902082 (VCV000902082.5), dbSNP rs368171529, ClinGen allele CA2463348.

ClinVar aggregate classification (germline): Uncertain significance. Review status: criteria provided, multiple submitters, no conflicts (2 of 4 stars). 2 submissions from 2 submitters: Uncertain significance (2). Last evaluated 2024-06-25.

Conditions:
Septo-optic dysplasia sequence (SOD). Also called: DE MORSIER SYNDROME; Septo-optic dysplasia. Identifiers: Orphanet 3157, MedGen C0338503, MONDO:0008428, OMIM 182230, HP:0100842.

Allele frequency attached by ClinVar (database versions not stated): ExAC 0.00011; TOPMed 0.00011; gnomAD 0.00012; gnomAD exomes 0.00012 and 0.00027; ESP Exome Variant Server 0.00031.
gnomAD v4.1: 404 of 1,613,502 alleles (0.025%); highest among the groups gnomAD compares: Non-Finnish European, 0.033%; no homozygotes.

Submissions (2):

Women's Health and Genetics/Laboratory Corporation of America, LabCorp
Classification: Uncertain significance. Last evaluated: 2024-06-25. Review status: criteria provided, single submitter. Criteria: LabCorp Variant Classification Summary - May 2015. Collection method: clinical testing. Allele origin: germline.
Comment: Variant summary: HESX1 c.-6G>A is located in the untranslated mRNA region upstream of the initiation codon. The variant allele was found at a frequency of 0.00012 in 251470 control chromosomes (gnomAD). This frequency is not significantly higher than estimated for a pathogenic variant in HESX1 causing HESX1-Related Disorders, allowing no conclusion about variant significance. To our knowledge, no occurrence of c.-6G>A in individuals affected with HESX1-Related Disorders and no experimental evidence demonstrating its impact on protein function have been reported. ClinVar contains an entry for this variant (Variation ID: 902082). Based on the evidence outlined above, the variant was classified as uncertain significance.

Illumina Laboratory Services, Illumina
Classification: Uncertain significance for Septo-optic dysplasia sequence. Last evaluated: 2018-01-13. Review status: criteria provided, single submitter. Criteria: ICSL Variant Classification Criteria 13 December 2019. Collection method: clinical testing. Allele origin: germline.